The following is an entry in ClinVar:

ClinVar aggregate classification (germline): Likely benign. Review status: reviewed by expert panel (3 of 4 stars). 3 submissions from 3 submitters: Likely benign (1). 2 of the submissions do not count toward it. Last evaluated 2024-07-11.

Conditions:
Hereditary thrombocytopenia and hematological cancer predisposition syndrome associated with RUNX1. Also called: PLATELET DISORDER, ASPIRIN-LIKE; Familial Platelet Disorder with Propensity to Acute Myelogenous Leukemia; Familial thrombocytopenia with propensity to acute myelogenous leukemia; RUNX1 Familial Platelet Disorder with Associated Myeloid Malignancies. Identifiers: Orphanet 71290, MedGen C1832388, MeSH C563324, MONDO:0100083, OMIM 601399.
Hereditary thrombocytopenia and hematologic cancer predisposition syndrome. Identifiers: Orphanet 71290, MedGen CN281654, MONDO:0011071.
Inborn genetic diseases. Identifiers: MedGen C0950123, MeSH D030342.

Allele frequency attached by ClinVar (database versions not stated): gnomAD exomes 0.00001.
gnomAD v4.1: 3 of 1,562,292 alleles (0.00019%); highest among the groups gnomAD compares: Admixed American, 0.0019%; no homozygotes.

Submissions (3):

ClinGen Myeloid Malignancy Variant Curation Expert Panel
Classification: Likely benign for Hereditary thrombocytopenia and hematologic cancer predisposition syndrome. Last evaluated: 2024-07-11. Review status: reviewed by expert panel. Criteria: ClinGen MyeloMalig ACMG Specifications v2. Collection method: curation. Allele origin: germline. Inheritance: Autosomal dominant inheritance.
Comment: NM_001754.5(RUNX1): c.1215G>A (p.Leu405=) is a synonymous variant which is located at a non-conserved nucleotide per an evolutionary conservation algorithm (PhyloP score = -0.00400787 in GRCh38); it is not predicted to have any splicing impact per SpliceAI (BP7, BP4). In summary, this variant meets criteria to be classified as likely benign. ACMG/AMP criteria applied, as specified by the ClinGen Myeloid Malignancy Variant Curation Expert Panel for RUNX1: BP4, BP7.

Ambry Genetics
Classification: Likely benign for Inborn genetic diseases. Last evaluated: 2025-03-30. Review status: criteria provided, single submitter. Criteria: Ambry Variant Classification Scheme 2023. Collection method: clinical testing. Allele origin: germline. Not counted in ClinVar's aggregate classification.

Labcorp Genetics (formerly Invitae), Labcorp
Classification: Likely benign for Hereditary thrombocytopenia and hematological cancer predisposition syndrome associated with RUNX1. Last evaluated: 2024-12-25. Review status: criteria provided, single submitter. Criteria: Invitae Variant Classification Sherloc (09022015). Collection method: clinical testing. Allele origin: germline. Not counted in ClinVar's aggregate classification.

NM_001754.5(RUNX1):c.1215G>A (p.Leu405=)

Gene: RUNX1 (RUNX family transcription factor 1; minus strand). Cytogenetic location: 21q22.12.
Variant type: single nucleotide variant.
Coding change: c.1215G>A on transcript NM_001754.5 (MANE Select); coding-DNA position 1215, G replaced by A.
Protein change: p.Leu405=; no amino-acid change (leucine 405 retained).
Molecular consequence: synonymous variant.
Genome position (GRCh38, 1-based): chr21:34,792,363, C>T on the plus strand (G>A on the coding strand, the complement: RUNX1 is on the minus strand). VCF-style: chr21-34792363-C-T. GRCh37 (hg19) VCF-style: chr21-36164660-C-T.
Other names: NM_001754.5(RUNX1):c.1215G>A; p.Leu405=; c.1134G>A, p.Leu378= (NM_001001890.3).
Identifiers: ClinVar variation 463979 (VCV000463979.10), dbSNP rs1488763689, ClinGen allele CA512341219.
Genomic context (GRCh38, chr21:34,792,363, plus strand): 5'-CGGCGAGCGCTCGCCGCCCACCATGGAGAACTGGTAGGAGCCGGCCGAGGCGCCGTAGTA[C>T]AGGTGGTAGGAGGGCGAGCTGGCTTGGAACGGGCCTCCCTGCGCTTGCGACGAGCCGGGG-3'
Protein context (NP_001745.2, residues 395-415): PFQASSPSYH[Leu405=]YYGASAGSYQ